The following is an entry in ClinVar:

ClinVar aggregate classification (germline): Uncertain significance (1 of 4 stars; one submission).

Conditions:
COG5-congenital disorder of glycosylation. Also called: CDG IIi; COG5-CDG; CONGENITAL DISORDER OF GLYCOSYLATION, TYPE IIi. Identifiers: Orphanet 263487, MedGen C3150876, MONDO:0013325, OMIM 613612.

Allele frequency attached by ClinVar (database versions not stated): gnomAD 0.00001; ExAC 0.00002; TOPMed 0.00002; gnomAD exomes 0.00003.
gnomAD v4.1: 20 of 1,603,046 alleles (0.0012%); highest among the groups gnomAD compares: South Asian, 0.017%; no homozygotes.

Submission:

Labcorp Genetics (formerly Invitae), Labcorp
Classification: Uncertain significance for COG5-congenital disorder of glycosylation. Last evaluated: 2022-10-25. Review status: criteria provided, single submitter. Criteria: Invitae Variant Classification Sherloc (09022015). Collection method: clinical testing. Allele origin: germline.
Comment: This sequence change replaces cysteine, which is neutral and slightly polar, with arginine, which is basic and polar, at codon 345 of the COG5 protein (p.Cys345Arg). This variant is present in population databases (rs764832638, gnomAD 0.02%). This variant has not been reported in the literature in individuals affected with COG5-related conditions. ClinVar contains an entry for this variant (Variation ID: 1475182). Algorithms developed to predict the effect of missense changes on protein structure and function are either unavailable or do not agree on the potential impact of this missense change (SIFT: "Deleterious"; PolyPhen-2: "Possibly Damaging"; Align-GVGD: "Class C0"). In summary, the available evidence is currently insufficient to determine the role of this variant in disease. Therefore, it has been classified as a Variant of Uncertain Significance.

NM_006348.5(COG5):c.940T>C (p.Cys314Arg)

Gene: COG5 (component of oligomeric golgi complex 5; minus strand). Cytogenetic location: 7q22.3.
Variant type: single nucleotide variant.
Coding change: c.940T>C on transcript NM_006348.5 (MANE Select); coding-DNA position 940, T replaced by C.
Protein change: p.Cys314Arg; replaces cysteine 314 with arginine.
Molecular consequence: missense variant. On other transcripts: intron variant (2).
Genome position (GRCh38, 1-based): chr7:107,362,316, A>G on the plus strand (T>C on the coding strand, the complement: COG5 is on the minus strand). VCF-style: chr7-107362316-A-G. GRCh37 (hg19) VCF-style: chr7-107002761-A-G.
Other names: c.940T>C, p.Cys314Arg (NM_001161520.2, NM_001379511.1, NM_001379512.1 and 3 more transcripts); c.235-206T>C (NM_001379516.1); c.539-63970T>C (NM_001379515.1); short protein forms C314R.
Identifiers: ClinVar variation 1475182 (VCV001475182.6), dbSNP rs764832638, ClinGen allele CA4431066.